The following is an entry in ClinVar:

NM_001875.5(CPS1):c.3355G>A (p.Ala1119Thr)

Gene: CPS1 (carbamoyl-phosphate synthase 1; plus strand). Cytogenetic location: 2q34.
Variant type: single nucleotide variant.
Coding change: c.3355G>A on transcript NM_001875.5 (MANE Select); coding-DNA position 3355, G replaced by A.
Protein change: p.Ala1119Thr; replaces alanine 1119 with threonine.
Molecular consequence: missense variant. On other transcripts: non-coding transcript variant (2).
Genome position (GRCh38, 1-based): chr2:210,648,491, G>A. VCF-style: chr2-210648491-G-A. GRCh37 (hg19) VCF-style: chr2-211513215-G-A.
Other names: c.3355G>A (LRG_336t1); c.3355G>A, p.Ala1119Thr (NM_001122633.3, NM_001369257.1); c.3388G>A, p.Ala1130Thr (NM_001369256.1); short protein forms A1119T, A1130T.
Identifiers: ClinVar variation 235274 (VCV000235274.21), dbSNP rs76340296, ClinGen allele CA2086906.

ClinVar aggregate classification (germline): Benign/Likely benign. Review status: criteria provided, multiple submitters, no conflicts (2 of 4 stars). 6 submissions from 6 submitters: Benign (3); Likely benign (2). 1 of the submissions does not count toward it. Last evaluated 2026-01-28.

Conditions:
Congenital hyperammonemia, type I. Also called: CPS I DEFICIENCY; Carbamoyl phosphate synthetase I deficiency disease; Carbamoyl-phosphate synthase I deficiency; Carbamoyl phosphate synthetase 1 deficiency; Hyperammonemia due to carbamoyl phosphate synthetase 1 deficiency; CPS 1 deficiency. Identifiers: Orphanet 147, MedGen C4082171, MONDO:0009376, OMIM 237300.

Allele frequency attached by ClinVar (database versions not stated): gnomAD 0.01352 and 0.01465; 1000 Genomes Project 0.01358; 1000 Genomes Project 30x 0.01468; TOPMed 0.01547; ESP Exome Variant Server 0.01599.
gnomAD v4.1: 4,007 of 1,613,204 alleles (0.25%); highest among the groups gnomAD compares: African/African-American, 4.7%; 93 homozygotes.

Submissions (6):

Labcorp Genetics (formerly Invitae), Labcorp
Classification: Benign for Congenital hyperammonemia, type I. Last evaluated: 2026-01-28. Review status: criteria provided, single submitter. Criteria: Invitae Variant Classification Sherloc (09022015). Collection method: clinical testing. Allele origin: germline.

Illumina Laboratory Services, Illumina
Classification: Benign for Congenital hyperammonemia, type I. Last evaluated: 2018-01-12. Review status: criteria provided, single submitter. Criteria: ICSL Variant Classification Criteria 13 December 2019. Collection method: clinical testing. Allele origin: germline.
Comment: This variant was observed in the ICSL laboratory as part of a predisposition screen in an ostensibly healthy population. It had not been previously curated by ICSL or reported in the Human Gene Mutation Database (HGMD: prior to June 1st, 2018), and was therefore a candidate for classification through an automated scoring system. Utilizing variant allele frequency, disease prevalence and penetrance estimates, and inheritance mode, an automated score was calculated to assess if this variant is too frequent to cause the disease. Based on the score and internal cut-off values, a variant classified as benign is not then subjected to further curation. The score for this variant resulted in a classification of benign for this disease.

GeneDx
Classification: Benign. Last evaluated: 2016-02-23. Review status: criteria provided, single submitter. Criteria: GeneDx Variant Classification (06012015). Collection method: clinical testing. Allele origin: germline. Affected: yes.
Comment: This variant is considered likely benign or benign based on one or more of the following criteria: it is a conservative change, it occurs at a poorly conserved position in the protein, it is predicted to be benign by multiple in silico algorithms, and/or has population frequency not consistent with disease.

Center for Pediatric Genomic Medicine, Children's Mercy Hospital and Clinics
Classification: Likely benign. Last evaluated: 2015-08-19. Review status: criteria provided, single submitter. Criteria: ACMG Guidelines, 2015. Collection method: clinical testing. Allele origin: germline.
ClinVar note: Converted during submission from Likely Benign to Likely benign.

Breakthrough Genomics
Classification: Likely benign. Review status: criteria provided, single submitter. Criteria: ACMG Guidelines, 2015. Collection method: not provided. Allele origin: germline. Inheritance: Autosomal recessive inheritance. Affected: yes.

Natera, Inc.
Classification: Benign for Carbamoyl-phosphate synthase I deficiency. Last evaluated: 2019-12-04. Review status: no assertion criteria provided. Collection method: clinical testing. Allele origin: germline. Not counted in ClinVar's aggregate classification.